The following is an entry in ClinVar:

NM_015047.3(EMC1):c.2025T>G (p.Asp675Glu)

Genes: EMC1 (ER membrane protein complex subunit 1; minus strand), EMC1-AS1 (EMC1 antisense RNA 1; plus strand). Cytogenetic location: 1p36.13.
Variant type: single nucleotide variant.
Coding change: c.2025T>G on transcript NM_015047.3 (MANE Select); coding-DNA position 2025, T replaced by G.
Protein change: p.Asp675Glu; replaces aspartic acid 675 with glutamic acid.
Molecular consequence: missense variant.
Genome position (GRCh38, 1-based): chr1:19,230,883, A>C on the plus strand (T>G on the coding strand, the complement: EMC1 is on the minus strand). VCF-style: chr1-19230883-A-C. GRCh37 (hg19) VCF-style: chr1-19557377-A-C.
Other names: c.2022T>G, p.Asp674Glu (NM_001271427.2, NM_001271428.2); c.1959T>G, p.Asp653Glu (NM_001271429.2); c.2034T>G, p.Asp678Glu (NM_001375820.1); c.2031T>G, p.Asp677Glu (NM_001375821.1); c.2025T>G (NM_015047.1); short protein forms D674E, D677E, D678E, D653E, D675E.
Identifiers: ClinVar variation 1346976 (VCV001346976.8), dbSNP rs773767036, ClinGen allele CA652427.
Genomic context (GRCh38, chr1:19,230,883, plus strand): 5'-TGCCAGGACATGCCTTCCTACCTTTCGAAGCCGATATCCACACAGCCGTCCCTGCTCTGC[A>C]TCCACCAAATAGAAGAAGATGGAAGGGGCAAGCTCATGTAGCTGTCGCAAGACATTCCGA-3'
Protein context (NP_055862.1, residues 665-685): LAPSIFFYLV[Asp675Glu]AEQGRLCGYR

ClinVar aggregate classification (germline): Uncertain significance. Review status: criteria provided, multiple submitters, no conflicts (2 of 4 stars). 3 submissions from 3 submitters: Uncertain significance (3). Last evaluated 2026-01-01.

Conditions:
Inborn genetic diseases. Identifiers: MedGen C0950123, MeSH D030342.
Retinal dystrophy. Also called: Inherited retinal dystrophy. Identifiers: Orphanet 71862, MedGen C0854723, MeSH D058499, MONDO:0019118, HP:0000556.

Allele frequency attached by ClinVar (database versions not stated): gnomAD exomes 0.00002 and 0.00004; TOPMed 0.00002; ExAC 0.00006.

Submissions (3):

Labcorp Genetics (formerly Invitae), Labcorp
Classification: Uncertain significance. Last evaluated: 2026-01-01. Review status: criteria provided, single submitter. Criteria: Invitae Variant Classification Sherloc (09022015). Collection method: clinical testing. Allele origin: germline.
Comment: This sequence change replaces aspartic acid, which is acidic and polar, with glutamic acid, which is acidic and polar, at codon 675 of the EMC1 protein (p.Asp675Glu). This variant is present in population databases (rs773767036, gnomAD 0.06%). This variant has not been reported in the literature in individuals affected with EMC1-related conditions. ClinVar contains an entry for this variant (Variation ID: 1346976). Invitae Evidence Modeling of protein sequence and biophysical properties (such as structural, functional, and spatial information, amino acid conservation, physicochemical variation, residue mobility, and thermodynamic stability) indicates that this missense variant is not expected to disrupt EMC1 protein function with a negative predictive value of 80%. In summary, the available evidence is currently insufficient to determine the role of this variant in disease. Therefore, it has been classified as a Variant of Uncertain Significance.

Dept Of Ophthalmology, Nagoya University
Classification: Uncertain significance for Retinal dystrophy. Last evaluated: 2023-10-01. Review status: criteria provided, single submitter. Criteria: Submitter's publication. Collection method: research. Allele origin: germline. Affected: yes.

Ambry Genetics
Classification: Uncertain significance for Inborn genetic diseases. Last evaluated: 2021-07-06. Review status: criteria provided, single submitter. Criteria: Ambry Variant Classification Scheme 2023. Collection method: clinical testing. Allele origin: germline.